The following is an entry in ClinVar:

NM_001042681.2(RERE):c.3996A>G (p.Pro1332=)

Gene: RERE (arginine-glutamic acid dipeptide repeats; minus strand). Cytogenetic location: 1p36.23.
Variant type: single nucleotide variant.
Coding change: c.3996A>G on transcript NM_001042681.2 (MANE Select); coding-DNA position 3996, A replaced by G.
Protein change: p.Pro1332=; no amino-acid change (proline 1332 retained).
Molecular consequence: synonymous variant.
Genome position (GRCh38, 1-based): chr1:8,358,539, T>C on the plus strand (A>G on the coding strand, the complement: RERE is on the minus strand). VCF-style: chr1-8358539-T-C. GRCh37 (hg19) VCF-style: chr1-8418599-T-C.
Other names: c.2334A>G, p.Pro778= (NM_001042682.2); c.3996A>G, p.Pro1332= (NM_012102.4).
Identifiers: ClinVar variation 714066 (VCV000714066.26), dbSNP rs140019388, ClinGen allele CA570923.

ClinVar aggregate classification (germline): Benign. Review status: criteria provided, multiple submitters, no conflicts (2 of 4 stars). 2 submissions from 2 submitters: Benign (2). Last evaluated 2026-01-05.

Allele frequency attached by ClinVar (database versions not stated): gnomAD exomes 0.00041 and 0.00100; ExAC 0.00136; 1000 Genomes Project 0.00399; gnomAD 0.00413 and 0.00455; 1000 Genomes Project 30x 0.00422; ESP Exome Variant Server 0.00432; TOPMed 0.00479.
gnomAD v4.1: 1,253 of 1,602,774 alleles (0.078%); highest among the groups gnomAD compares: African/African-American, 1.5%; 16 homozygotes.

Submissions (2):

Labcorp Genetics (formerly Invitae), Labcorp
Classification: Benign. Last evaluated: 2026-01-05. Review status: criteria provided, single submitter. Criteria: Invitae Variant Classification Sherloc (09022015). Collection method: clinical testing. Allele origin: germline.

CeGaT Center for Human Genetics Tuebingen
Classification: Benign. Last evaluated: 2024-07-01. Review status: criteria provided, single submitter. Criteria: CeGaT Center For Human Genetics Tuebingen Variant Classification Criteria Version 2. Collection method: clinical testing. Allele origin: germline. Affected: yes. Observed: 1 variant allele.
Comment: RERE: BP4, BP7, BS1, BS2